The following is an entry in ClinVar:

NM_000321.3(RB1):c.1703del (p.Pro568fs)

Gene: RB1 (RB transcriptional corepressor 1; plus strand). Cytogenetic location: 13q14.2.
Variant type: Deletion.
Coding change: c.1703del on transcript NM_000321.3 (MANE Select); coding-DNA position 1703, one base deleted (C; older notation c.1703delC).
Protein change: p.Pro568fs; shifts the reading frame from proline 568.
Molecular consequence: frameshift variant.
Genome position (GRCh38, 1-based): chr13:48,453,000, C deleted; the last of 2 consecutive C bases (chr13:48,452,999-48,453,000); deleting either gives the same sequence. VCF-style (leftmost placement, unchanged base first): chr13-48452998-AC-A. GRCh37 (hg19) VCF-style: chr13-49027134-AC-A.
Other names: c.1703del, p.Pro568fs (NM_001407165.1); c.1702delC (NM_000321.3); short protein forms P568fs.
Identifiers: ClinVar variation 3384164 (VCV003384164.1).

ClinVar aggregate classification (germline): Pathogenic (0 of 4 stars; one submission).

Conditions:
Retinoblastoma (RB1). Also called: RETINOBLASTOMA, SOMATIC. Identifiers: Orphanet 790, MedGen C0035335, MeSH D012175, MONDO:0008380, OMIM 180200, HP:0009919. Disease mechanism: loss of function. Inheritance: Both sporadic and heritable forms are tested..

Submission:

Clinical Genetics and Genomics Laboratory, Noor Shahriyar Hospital
Classification: Pathogenic for Retinoblastoma. Last evaluated: 2016-12-12. Review status: no assertion criteria provided. Collection method: clinical testing. Allele origin: germline. Affected: yes.
Comment: The NM_000321 c.1702delC, is a nonsense variant in RB1 which is predicted to result in a premature stop codon at position 611, and likely results in an absent or disrupted protein product (PVS1).

Variant c.1702delC (in RB1 gene) was first seen in persian population with Retinoblastoma (PMID: 27983729)

Literature cited by the submitters: PubMed 27983729.